The following is an entry in ClinVar:

NM_000053.4(ATP7B):c.2235G>C (p.Leu745=)

Gene: ATP7B (ATPase copper transporting beta; minus strand). Cytogenetic location: 13q14.3.
Variant type: single nucleotide variant.
Coding change: c.2235G>C on transcript NM_000053.4 (MANE Select); coding-DNA position 2235, G replaced by C.
Protein change: p.Leu745=; no amino-acid change (leucine 745 retained).
Molecular consequence: synonymous variant. On other transcripts: intron variant (20).
Genome position (GRCh38, 1-based): chr13:51,958,431, C>G on the plus strand (G>C on the coding strand, the complement: ATP7B is on the minus strand). VCF-style: chr13-51958431-C-G. GRCh37 (hg19) VCF-style: chr13-52532567-C-G.
Other names: c.2235G>C (NM_000053.3); c.1902G>C, p.Leu634= (NM_001243182.2); c.1983G>C, p.Leu661= (NM_001330579.2, NM_001406531.1, NM_001406532.1 and 1 more transcripts); c.2235G>C, p.Leu745= (NM_001406511.1, NM_001406512.1, NM_001406513.1 and 7 more transcripts); c.2202G>C, p.Leu734= (NM_001406514.1); c.2139G>C, p.Leu713= (NM_001406517.1, NM_001406518.1); c.1806G>C, p.Leu602= (NM_001406539.1); c.1887G>C, p.Leu629= (NM_001406543.1); and 9 more.
Identifiers: ClinVar variation 1973987 (VCV001973987.7), dbSNP rs1203528929, ClinGen allele CA483896147.
Genomic context (GRCh38, chr13:51,958,431, plus strand): 5'-GTCGAAGAATGTCACAGGGCTCCTCTCCGCCTTCTCAGCCACAGCAACCACCAGGATGAC[C>G]AGAGAATAAACATAAGCAATGCTTGTGGCCAGGACGATGAGCACGTCCATGTTGGCTGAC-3'
Protein context (NP_000044.2, residues 735-755): LATSIAYVYS[Leu745=]VILVVAVAEK

ClinVar aggregate classification (germline): Likely benign. Review status: criteria provided, multiple submitters, no conflicts (2 of 4 stars). 3 submissions from 3 submitters: Likely benign (2). 1 of the submissions does not count toward it. Last evaluated 2023-10-29.

Conditions:
Wilson disease (WND). Also called: Wilson's disease. Identifiers: Orphanet 905, MedGen C0019202, MONDO:0010200, OMIM 277900. Disease mechanism: loss of function.

Submissions (3):

Labcorp Genetics (formerly Invitae), Labcorp
Classification: Likely benign for Wilson disease. Last evaluated: 2023-10-29. Review status: criteria provided, single submitter. Criteria: Invitae Variant Classification Sherloc (09022015). Collection method: clinical testing. Allele origin: germline.

All of Us Research Program, National Institutes of Health
Classification: Likely benign for Wilson disease. Last evaluated: 2023-10-27. Review status: criteria provided, single submitter. Criteria: ACMG Guidelines, 2015. Collection method: clinical testing. Allele origin: germline. Inheritance: Autosomal recessive inheritance. Observed: 1 variant allele, 1 heterozygote.
Comment: This study involves interpretation of variants in research participants for the purpose of population health screening. Participant phenotype was not available at the time of variant classification. Additional details can be found in publication PMID: 35346344, PMCID: PMC8962531

Natera, Inc.
Classification: Likely benign for Wilson disease. Last evaluated: 2025-03-10. Review status: no assertion criteria provided. Collection method: clinical testing. Allele origin: germline. Not counted in ClinVar's aggregate classification.